The following is an entry in ClinVar:

NM_152703.5(SAMD9L):c.1210G>A (p.Gly404Arg)

Gene: SAMD9L (sterile alpha motif domain containing 9 like; minus strand). Cytogenetic location: 7q21.2.
Variant type: single nucleotide variant.
Coding change: c.1210G>A on transcript NM_152703.5 (MANE Select); coding-DNA position 1210, G replaced by A.
Protein change: p.Gly404Arg; replaces glycine 404 with arginine.
Molecular consequence: missense variant.
Genome position (GRCh38, 1-based): chr7:93,134,762, C>T on the plus strand (G>A on the coding strand, the complement: SAMD9L is on the minus strand). VCF-style: chr7-93134762-C-T. GRCh37 (hg19) VCF-style: chr7-92764075-C-T.
Other names: c.1210G>A, p.Gly404Arg (NM_001303496.3, NM_001303497.3, NM_001303498.3 and 5 more transcripts); short protein forms G404R.
Identifiers: ClinVar variation 4864002 (VCV004864002.1).

ClinVar aggregate classification (germline): Uncertain significance (1 of 4 stars; one submission).

Conditions:
Inborn genetic diseases. Identifiers: MedGen C0950123, MeSH D030342.

Submission:

Ambry Genetics
Classification: Uncertain significance for Inborn genetic diseases. Last evaluated: 2026-05-17. Review status: criteria provided, single submitter. Criteria: Ambry Variant Classification Scheme 2023. Collection method: clinical testing. Allele origin: germline.
Comment: The p.G404R variant (also known as c.1210G>A), located in coding exon 1 of the SAMD9L gene, results from a G to A substitution at nucleotide position 1210. The glycine at codon 404 is replaced by arginine, an amino acid with dissimilar properties. This amino acid position is conserved. In addition, this alteration is predicted to be tolerated by in silico analysis. Based on the available evidence, the clinical significance of this variant remains unclear.